The following is an entry in ClinVar:

NM_181675.4(PPP2R2B):c.413G>A (p.Arg138Gln)

Gene: PPP2R2B (protein phosphatase 2 regulatory subunit Bbeta; minus strand). Cytogenetic location: 5q32.
Variant type: single nucleotide variant.
Coding change: c.413G>A on transcript NM_181675.4 (MANE Select); coding-DNA position 413, G replaced by A.
Protein change: p.Arg138Gln; replaces arginine 138 with glutamine.
Molecular consequence: missense variant. On other transcripts: non-coding transcript variant (2).
Genome position (GRCh38, 1-based): chr5:146,691,162, C>T on the plus strand (G>A on the coding strand, the complement: PPP2R2B is on the minus strand). VCF-style: chr5-146691162-C-T. GRCh37 (hg19) VCF-style: chr5-146070725-C-T.
Other names: c.413G>A, p.Arg138Gln (NM_001127381.1, NM_004576.2); c.431G>A, p.Arg144Gln (NM_001271899.1); c.587G>A, p.Arg196Gln (NM_001271900.2); c.380G>A, p.Arg127Gln (NM_001271948.2, NM_181678.2); c.611G>A, p.Arg204Gln (NM_181674.3); c.422G>A, p.Arg141Gln (NM_181676.3); c.353G>A, p.Arg118Gln (NM_181677.2); c.422G>A (NM_181676.2); short protein forms R118Q, R127Q, R138Q, R141Q, R144Q, R196Q, R204Q.
Identifiers: ClinVar variation 2572696 (VCV002572696.2), dbSNP rs1452386364, ClinGen allele CA361881352.

ClinVar aggregate classification (germline): Uncertain significance. Review status: criteria provided, multiple submitters, no conflicts (2 of 4 stars). 2 submissions from 2 submitters: Uncertain significance (2). Last evaluated 2025-09-11.

Allele frequency attached by ClinVar (database versions not stated): gnomAD exomes below 0.00001; gnomAD 0.00001; TOPMed 0.00001.
gnomAD v4.1: 4 of 1,614,062 alleles (0.00025%); highest among the groups gnomAD compares: East Asian, 0.0022%; no homozygotes.

Submissions (2):

Ambry Genetics
Classification: Uncertain significance. Last evaluated: 2025-09-11. Review status: criteria provided, single submitter. Criteria: Ambry Variant Classification Scheme 2023. Collection method: clinical testing. Allele origin: germline.

GeneDx
Classification: Uncertain significance. Last evaluated: 2023-01-11. Review status: criteria provided, single submitter. Criteria: GeneDx Variant Classification Process June 2021. Collection method: clinical testing. Allele origin: germline. Affected: yes.
Comment: Not observed at significant frequency in large population cohorts (gnomAD); In silico analysis supports that this missense variant does not alter protein structure/function; Has not been previously published as pathogenic or benign to our knowledge